The following is an entry in ClinVar:

NM_000535.7(PMS2):c.586G>C (p.Ala196Pro)

Gene: PMS2 (PMS1 homolog 2, mismatch repair system component; minus strand). Cytogenetic location: 7p22.1.
Variant type: single nucleotide variant.
Coding change: c.586G>C on transcript NM_000535.7 (MANE Select); coding-DNA position 586, G replaced by C.
Protein change: p.Ala196Pro; replaces alanine 196 with proline.
Molecular consequence: missense variant. On other transcripts: non-coding transcript variant (1), intron variant (6), splice acceptor variant (3).
Genome position (GRCh38, 1-based): chr7:5,999,227, C>G on the plus strand (G>C on the coding strand, the complement: PMS2 is on the minus strand). VCF-style: chr7-5999227-C-G. GRCh37 (hg19) VCF-style: chr7-6038858-C-G.
Other names: c.181G>C, p.Ala61Pro (NM_001018040.1, NM_001322003.2, NM_001322004.2 and 22 more transcripts); c.586G>C, p.Ala196Pro (NM_001322006.2, NM_001322014.2, NM_001406869.1 and 5 more transcripts); c.268G>C, p.Ala90Pro (NM_001322007.2, NM_001322008.2, NM_001406876.1 and 4 more transcripts); c.277G>C, p.Ala93Pro (NM_001322015.2, NM_001406875.1, NM_001406877.1 and 6 more transcripts); c.772G>C, p.Ala258Pro (NM_001406866.1); c.610G>C, p.Ala204Pro (NM_001406868.1); c.132+3226G>C (NM_001406911.1); c.133-1804G>C (NM_001322013.2, NM_001406909.1); and 4 more; short protein forms A93P, A196P, A61P, A90P, A204P, A258P.
Identifiers: ClinVar variation 971409 (VCV000971409.11), dbSNP rs1784818316, ClinGen allele CA366744034.

ClinVar aggregate classification (germline): Uncertain significance. Review status: criteria provided, multiple submitters, no conflicts (2 of 4 stars). 3 submissions from 3 submitters: Uncertain significance (3). Last evaluated 2025-06-17.

Conditions:
Hereditary nonpolyposis colorectal neoplasms. Identifiers: MedGen C0009405, MeSH D003123.
Hereditary cancer-predisposing syndrome. Also called: Neoplastic Syndromes, Hereditary; Hereditary Cancer Syndrome; Tumor predisposition; Hereditary neoplastic syndrome. Identifiers: Orphanet 140162, MedGen C0027672, MeSH D009386, MONDO:0015356.

Allele frequency attached by ClinVar (database versions not stated): gnomAD exomes below 0.00001.
gnomAD v4.1: 1 of 1,614,034 alleles (0.000062%); highest among the groups gnomAD compares: Non-Finnish European, 0.000085%; no homozygotes.

Submissions (3):

Color Diagnostics, LLC DBA Color Health
Classification: Uncertain significance for Hereditary cancer-predisposing syndrome. Last evaluated: 2025-06-17. Review status: criteria provided, single submitter. Criteria: ACMG Guidelines, 2015. Collection method: clinical testing. Allele origin: germline.
Comment: This missense variant replaces alanine with proline at codon 196 of the PMS2 protein. Computational prediction suggests that this variant may not impact protein structure and function. To our knowledge, functional studies have not been reported for this variant. This variant has not been reported in individuals affected with PMS2-related disorders in the literature. This variant has not been identified in the general population by the Genome Aggregation Database (gnomAD). The available evidence is insufficient to determine the role of this variant in disease conclusively. Therefore, this variant is classified as a Variant of Uncertain Significance.

Ambry Genetics
Classification: Uncertain significance for Hereditary cancer-predisposing syndrome. Last evaluated: 2025-05-12. Review status: criteria provided, single submitter. Criteria: Ambry Variant Classification Scheme 2023. Collection method: clinical testing. Allele origin: germline.
Comment: The p.A196P variant (also known as c.586G>C), located in coding exon 6 of the PMS2 gene, results from a G to C substitution at nucleotide position 586. The alanine at codon 196 is replaced by proline, an amino acid with highly similar properties. This amino acid position is not well conserved in available vertebrate species. In addition, this alteration is predicted to be tolerated by in silico analysis. Based on the available evidence, the clinical significance of this variant remains unclear.

Labcorp Genetics (formerly Invitae), Labcorp
Classification: Uncertain significance for Hereditary nonpolyposis colorectal neoplasms. Last evaluated: 2022-03-26. Review status: criteria provided, single submitter. Criteria: Invitae Variant Classification Sherloc (09022015). Collection method: clinical testing. Allele origin: germline.
Comment: This sequence change replaces alanine, which is neutral and non-polar, with proline, which is neutral and non-polar, at codon 196 of the PMS2 protein (p.Ala196Pro). This variant is not present in population databases (gnomAD no frequency). This variant has not been reported in the literature in individuals affected with PMS2-related conditions. ClinVar contains an entry for this variant (Variation ID: 971409). Advanced modeling of protein sequence and biophysical properties (such as structural, functional, and spatial information, amino acid conservation, physicochemical variation, residue mobility, and thermodynamic stability) performed at Invitae indicates that this missense variant is not expected to disrupt PMS2 protein function. Algorithms developed to predict the effect of sequence changes on RNA splicing suggest that this variant may disrupt the consensus splice site. In summary, the available evidence is currently insufficient to determine the role of this variant in disease. Therefore, it has been classified as a Variant of Uncertain Significance.